The following is an entry in ClinVar:

ClinVar aggregate classification (germline): Uncertain significance (1 of 4 stars; one submission).

Conditions:
RASopathy. Also called: Noonan spectrum disorder; rasopathies. Identifiers: Orphanet 536391, MedGen C5555857, MONDO:0021060.

Submission:

Labcorp Genetics (formerly Invitae), Labcorp
Classification: Uncertain significance for RASopathy. Last evaluated: 2023-01-15. Review status: criteria provided, single submitter. Criteria: Invitae Variant Classification Sherloc (09022015). Collection method: clinical testing. Allele origin: germline.
Comment: In summary, the available evidence is currently insufficient to determine the role of this variant in disease. Therefore, it has been classified as a Variant of Uncertain Significance. Experimental studies and prediction algorithms are not available or were not evaluated, and the functional significance of this variant is currently unknown. This variant has not been reported in the literature in individuals affected with RAF1-related conditions. Information on the frequency of this variant in the gnomAD database is not available, as this variant may be reported differently in the database. This sequence change replaces leucine, which is neutral and non-polar, with isoleucine, which is neutral and non-polar, at codon 546 of the RAF1 protein (p.Leu546Ile).

NM_002880.4(RAF1):c.1635_1636delinsAA (p.Leu546Ile)

Gene: RAF1 (Raf-1 proto-oncogene, serine/threonine kinase; minus strand). Cytogenetic location: 3p25.2.
Variant type: Indel.
Coding change: c.1635_1636delinsAA on transcript NM_002880.4 (MANE Select); coding-DNA positions 1635 to 1636, GC replaced by AA.
Protein change: p.Leu546Ile; replaces leucine 546 with isoleucine.
Molecular consequence: missense variant. On other transcripts: non-coding transcript variant (3).
Genome position (GRCh38, 1-based): chr3:12,585,154-12,585,155, GC replaced by TT on the plus strand (GC replaced by AA on the coding strand, the reverse complement: RAF1 is on the minus strand). VCF-style: chr3-12585154-GC-TT. GRCh37 (hg19) VCF-style: chr3-12626653-GC-TT.
Other names: c.1695_1696delinsAA, p.Leu566Ile (NM_001354689.3); c.1635_1636delinsAA, p.Leu546Ile (NM_001354690.3); c.1392_1393delinsAA, p.Leu465Ile (NM_001354691.3, NM_001354692.3); c.1536_1537delinsAA, p.Leu513Ile (NM_001354693.3); c.1452_1453delinsAA, p.Leu485Ile (NM_001354694.3); c.1293_1294delinsAA, p.Leu432Ile (NM_001354695.3); short protein forms L432I, L465I, L546I, L566I, L485I, L513I.
Identifiers: ClinVar variation 2822442 (VCV002822442.3), dbSNP rs2470180796, ClinGen allele CA2739277907.